The following is an entry in ClinVar:

NM_000179.3(MSH6):c.-3G>T

Gene: MSH6 (mutS homolog 6; plus strand). Cytogenetic location: 2p16.3.
Variant type: single nucleotide variant.
Coding change: c.-3G>T on transcript NM_000179.3 (MANE Select); 3 bases upstream of the start codon, G replaced by T.
Molecular consequence: 5 prime UTR variant.
Genome position (GRCh38, 1-based): chr2:47,783,231, G>T. VCF-style: chr2-47783231-G-T. GRCh37 (hg19) VCF-style: chr2-48010370-G-T.
Other names: c.-3G>T (NM_001281492.2, NM_001406795.1, NM_001406796.1 and 9 more transcripts); c.-739G>T (NM_001281493.2, NM_001406811.1); c.-38G>T (NM_001406797.1, NM_001406801.1, NM_001406805.1); c.-331G>T (NM_001406799.1); c.-58G>T (NM_001406804.1); c.-69G>T (NM_001406806.1); c.-931G>T (NM_001406807.1); c.-586G>T (NM_001406812.1); and 3 more.
Identifiers: ClinVar variation 1736915 (VCV001736915.2), dbSNP rs1668107743, ClinGen allele CA2580066848.

ClinVar aggregate classification (germline): Uncertain significance (1 of 4 stars; one submission).

Conditions:
Hereditary cancer-predisposing syndrome. Also called: Neoplastic Syndromes, Hereditary; Tumor predisposition; Hereditary Cancer Syndrome; Hereditary neoplastic syndrome. Identifiers: Orphanet 140162, MedGen C0027672, MeSH D009386, MONDO:0015356.

Submission:

Ambry Genetics
Classification: Uncertain significance for Hereditary cancer-predisposing syndrome. Last evaluated: 2021-03-08. Review status: criteria provided, single submitter. Criteria: Ambry Variant Classification Scheme 2023. Collection method: clinical testing. Allele origin: germline.
Comment: The c.-3G>T variant is located in the 5' untranslated region (5&rsquo; UTR) of the MSH6 gene. This variant results from a G to T substitution 3 bases upstream from the first translated codon. This nucleotide position is not well conserved in available vertebrate species. Since supporting evidence is limited at this time, the clinical significance of this alteration remains unclear.